The following is an entry in ClinVar:

NM_000051.4(ATM):c.6975+7T>G

Genes: ATM (ATM serine/threonine kinase; plus strand), C11orf65 (chromosome 11 open reading frame 65; minus strand). Cytogenetic location: 11q22.3.
Variant type: single nucleotide variant.
Coding change: c.6975+7T>G on transcript NM_000051.4 (MANE Select); 7 bases into the intron after coding-DNA position 6975, T replaced by G.
Molecular consequence: intron variant.
Genome position (GRCh38, 1-based): chr11:108,326,232, T>G. VCF-style: chr11-108326232-T-G. GRCh37 (hg19) VCF-style: chr11-108196959-T-G.
Other names: c.6975+7T>G (NM_001351834.2); c.641-17161A>C (NM_001330368.2); c.*38+8988A>C (NM_001351110.2).
Identifiers: ClinVar variation 514113 (VCV000514113.11), dbSNP rs754834282, ClinGen allele CA658797762.
Genomic context (GRCh38, chr11:108,326,232, plus strand): 5'-GCCCTGAGTATTCTCAAGCAAATGATCAAGAAGTTGGATGCCAGCTGTGCAGCGGTTTGT[T>G]TTTTTTATTGGCTGGATTAGTGTTTTACTGTTATTTAAAAAAACACAAATGTACTTTAAA-3'

ClinVar aggregate classification (germline): Likely benign. Review status: criteria provided, multiple submitters, no conflicts (2 of 4 stars). 3 submissions from 3 submitters: Likely benign (3). Last evaluated 2024-06-12.

Conditions:
Ataxia-telangiectasia syndrome (AT). Also called: Cerebello-oculocutaneous telangiectasia; Immunodeficiency with ataxia telangiectasia; Ataxia-telangiectasia, complementation group E; Ataxia-telangiectasia, complementation group D; AT, COMPLEMENTATION GROUP C; ATAXIA-TELANGIECTASIA, COMPLEMENTATION GROUP A. Identifiers: Orphanet 100, MedGen C0004135, MONDO:0008840, OMIM 208900.
Familial cancer of breast. Also called: BREAST CANCER, FAMILIAL; Hereditary breast cancer; hereditary breast carcinoma. Identifiers: Orphanet 227535, MedGen C0346153, MONDO:0016419, OMIM 114480. Disease mechanism: loss of function.

gnomAD v4.1: 1 of 1,614,124 alleles (0.000062%); no homozygotes.

Submissions (3):

Myriad Genetics, Inc.
Classification: Likely benign for Familial cancer of breast. Last evaluated: 2024-06-12. Review status: criteria provided, single submitter. Criteria: Myriad Autosomal Dominant, Autosomal Recessive and X-Linked Classification Criteria (2023). Collection method: clinical testing. Allele origin: unknown.
Comment: This variant is considered likely benign. This variant is intronic and is not expected to impact mRNA splicing.

Labcorp Genetics (formerly Invitae), Labcorp
Classification: Likely benign for Ataxia-telangiectasia syndrome. Last evaluated: 2018-05-21. Review status: criteria provided, single submitter. Criteria: Invitae Variant Classification Sherloc (09022015). Collection method: clinical testing. Allele origin: germline.

GeneDx
Classification: Likely benign. Last evaluated: 2017-12-12. Review status: criteria provided, single submitter. Criteria: GeneDx Variant Classification (06012015). Collection method: clinical testing. Allele origin: germline. Affected: yes.
Comment: This variant is considered likely benign or benign based on one or more of the following criteria: it is a conservative change, it occurs at a poorly conserved position in the protein, it is predicted to be benign by multiple in silico algorithms, and/or has population frequency not consistent with disease.